The following is an entry in ClinVar:

NM_001243197.2(IQSEC2):c.12C>T (p.Pro4=)

Gene: IQSEC2 (IQ motif and Sec7 domain ArfGEF 2; minus strand). Cytogenetic location: Xp11.22.
Variant type: single nucleotide variant.
Coding change: c.12C>T on transcript NM_001243197.2 (MANE Plus Clinical); coding-DNA position 12, C replaced by T.
Protein change: p.Pro4=; no amino-acid change (proline 4 retained).
Molecular consequence: synonymous variant. On other transcripts: intron variant (2).
Genome position (GRCh38, 1-based): chrX:53,281,510, G>A on the plus strand (C>T on the coding strand, the complement: IQSEC2 is on the minus strand). VCF-style: chrX-53281510-G-A. GRCh37 (hg19) VCF-style: chrX-53310692-G-A.
Other names: c.12C>T, p.Pro4= (NM_015075.2); c.737+10385C>T (NM_001410736.1, NM_001111125.3).
Identifiers: ClinVar variation 3037055 (VCV003037055.2), dbSNP rs1203913557, ClinGen allele CA641555266.
Genomic context (GRCh38, chrX:53,281,510, plus strand): 5'-CTGGGCAGGAAGGGAGGGGGCCAGGCTGCGGGGCCCAGGTTCCTACCTGCTGCTCCTCCC[G>A]GGGGGCTCCATGGGTCTGGACCTGTCCCAAGGGCAGGCCCCCTGGCCTAGCCGGTGTCTC-3'
Protein context (NP_001230126.1, residues 1-14): MEP[Pro4=]GRSSRSTASH

ClinVar aggregate classification (germline): Likely benign (0 of 4 stars; one submission).

Conditions:
IQSEC2-related disorder. Also called: IQSEC2-related condition.

gnomAD v4.1: 42 of 1,142,669 alleles (0.0037%); highest among the groups gnomAD compares: Non-Finnish European, 0.0043%; no homozygotes.

Submission:

PreventionGenetics, part of Exact Sciences
Classification: Likely benign for IQSEC2-related condition. Last evaluated: 2022-03-15. Review status: no assertion criteria provided. Collection method: clinical testing. Allele origin: germline.
Comment: This variant is classified as likely benign based on ACMG/AMP sequence variant interpretation guidelines (Richards et al. 2015 PMID: 25741868, with internal and published modifications).